The following is an entry in ClinVar:

ClinVar aggregate classification (germline): Uncertain significance. Review status: criteria provided, multiple submitters, no conflicts (2 of 4 stars). 3 submissions from 3 submitters: Uncertain significance (3). Last evaluated 2025-04-03.

Conditions:
Inborn genetic diseases. Identifiers: MedGen C0950123, MeSH D030342.
Chédiak-Higashi syndrome (CHS). Also called: Chediak-Higashi Syndrome. Identifiers: Orphanet 167, MedGen C0007965, MONDO:0008963, OMIM 214500.

Allele frequency attached by ClinVar (database versions not stated): gnomAD 0.00002; TOPMed 0.00003.
gnomAD v4.1: 7 of 1,613,240 alleles (0.00043%); highest among the groups gnomAD compares: African/African-American, 0.0093%; no homozygotes.

Submissions (3):

Ambry Genetics
Classification: Uncertain significance for Inborn genetic diseases. Last evaluated: 2025-04-03. Review status: criteria provided, single submitter. Criteria: Ambry Variant Classification Scheme 2023. Collection method: clinical testing. Allele origin: germline.

Fulgent Genetics
Classification: Uncertain significance for Chédiak-Higashi syndrome. Last evaluated: 2024-02-20. Review status: criteria provided, single submitter. Criteria: ACMG Guidelines, 2015. Collection method: clinical testing. Allele origin: germline.

Labcorp Genetics (formerly Invitae), Labcorp
Classification: Uncertain significance for Chédiak-Higashi syndrome. Last evaluated: 2021-08-20. Review status: criteria provided, single submitter. Criteria: Invitae Variant Classification Sherloc (09022015). Collection method: clinical testing. Allele origin: germline.
Comment: This sequence change replaces serine with proline at codon 1991 of the LYST protein (p.Ser1991Pro). The serine residue is moderately conserved and there is a moderate physicochemical difference between serine and proline. This variant is not present in population databases (ExAC no frequency). This variant has not been reported in the literature in individuals affected with LYST-related conditions. Algorithms developed to predict the effect of missense changes on protein structure and function are either unavailable or do not agree on the potential impact of this missense change (SIFT: "Deleterious"; PolyPhen-2: "Probably Damaging"; Align-GVGD: "Class C0"). In summary, the available evidence is currently insufficient to determine the role of this variant in disease. Therefore, it has been classified as a Variant of Uncertain Significance.

NM_000081.4(LYST):c.5971T>C (p.Ser1991Pro)

Gene: LYST (lysosomal trafficking regulator; minus strand). Cytogenetic location: 1q42.3.
Variant type: single nucleotide variant.
Coding change: c.5971T>C on transcript NM_000081.4 (MANE Select); coding-DNA position 5971, T replaced by C.
Protein change: p.Ser1991Pro; replaces serine 1991 with proline.
Molecular consequence: missense variant.
Genome position (GRCh38, 1-based): chr1:235,766,229, A>G on the plus strand (T>C on the coding strand, the complement: LYST is on the minus strand). VCF-style: chr1-235766229-A-G. GRCh37 (hg19) VCF-style: chr1-235929529-A-G.
Other names: c.5971T>C, p.Ser1991Pro (NM_001301365.1); c.5971T>C (NM_000081.2); short protein forms S1991P.
Identifiers: ClinVar variation 964933 (VCV000964933.9), dbSNP rs999648750, ClinGen allele CA39619468.